The following is an entry in ClinVar:

NM_182961.4(SYNE1):c.10048A>G (p.Asn3350Asp)

Gene: SYNE1 (spectrin repeat containing nuclear envelope protein 1; minus strand). Cytogenetic location: 6q25.2.
Variant type: single nucleotide variant.
Coding change: c.10048A>G on transcript NM_182961.4 (MANE Select); coding-DNA position 10048, A replaced by G.
Protein change: p.Asn3350Asp; replaces asparagine 3350 with aspartic acid.
Molecular consequence: missense variant.
Genome position (GRCh38, 1-based): chr6:152,364,944, T>C on the plus strand (A>G on the coding strand, the complement: SYNE1 is on the minus strand). VCF-style: chr6-152364944-T-C. GRCh37 (hg19) VCF-style: chr6-152686079-T-C.
Other names: p.Asn3357Asp; c.10069A>G, p.Asn3357Asp (NM_033071.5); c.10069A>G (NM_033071.3); short protein forms N3350D, N3357D.
Identifiers: ClinVar variation 586698 (VCV000586698.12), dbSNP rs145117891, ClinGen allele CA4057089.

ClinVar aggregate classification (germline): Uncertain significance. Review status: criteria provided, multiple submitters, no conflicts (2 of 4 stars). 4 submissions from 4 submitters: Uncertain significance (4). Last evaluated 2025-01-23.

Conditions:
Emery-Dreifuss muscular dystrophy 4, autosomal dominant (EDMD4). Also called: EMERY-DREIFUSS MUSCULAR DYSTROPHY 4 WITH VARIABLE FEATURES. Identifiers: Orphanet 261, MedGen C2751807, MONDO:0013071, OMIM 612998.
Autosomal recessive ataxia, Beauce type. Also called: SYNE1-Related Autosomal Recessive Cerebellar Ataxia; Spinocerebellar ataxia, autosomal recessive 8; ATAXIA, RECESSIVE, OF BEAUCE; SYNE1 Deficiency. Identifiers: Orphanet 88644, MedGen C1853116, MONDO:0012549, OMIM 610743.

Allele frequency attached by ClinVar (database versions not stated): ExAC 0.00004; gnomAD exomes 0.00004 and 0.00010; gnomAD 0.00005; TOPMed 0.00006; ESP Exome Variant Server 0.00008.
gnomAD v4.1: 155 of 1,614,118 alleles (0.0096%); highest among the groups gnomAD compares: Non-Finnish European, 0.012%; no homozygotes.

Submissions (4):

Labcorp Genetics (formerly Invitae), Labcorp
Classification: Uncertain significance for Emery-Dreifuss muscular dystrophy 4, autosomal dominant; Autosomal recessive ataxia, Beauce type. Last evaluated: 2025-01-23. Review status: criteria provided, single submitter. Criteria: Invitae Variant Classification Sherloc (09022015). Collection method: clinical testing. Allele origin: germline.
Comment: This sequence change replaces asparagine, which is neutral and polar, with aspartic acid, which is acidic and polar, at codon 3357 of the SYNE1 protein (p.Asn3357Asp). This variant is present in population databases (rs145117891, gnomAD 0.009%). This variant has not been reported in the literature in individuals affected with SYNE1-related conditions. ClinVar contains an entry for this variant (Variation ID: 586698). An algorithm developed to predict the effect of missense changes on protein structure and function (PolyPhen-2) suggests that this variant¬¨‚Ä†is likely to be tolerated. In summary, the available evidence is currently insufficient to determine the role of this variant in disease. Therefore, it has been classified as a Variant of Uncertain Significance.

Mayo Clinic Laboratories, Mayo Clinic
Classification: Uncertain significance. Last evaluated: 2024-02-14. Review status: criteria provided, single submitter. Criteria: ACMG Guidelines, 2015. Collection method: clinical testing. Allele origin: germline. Observed: 1 variant allele.
Comment: BP4

Athena Diagnostics
Classification: Uncertain significance. Last evaluated: 2018-06-04. Review status: criteria provided, single submitter. Criteria: Athena Diagnostics Criteria. Collection method: clinical testing. Allele origin: germline.

Eurofins Ntd Llc (ga)
Classification: Uncertain significance. Last evaluated: 2018-01-25. Review status: criteria provided, single submitter. Criteria: EGL Classification Definitions 2015. Collection method: clinical testing. Allele origin: germline. Observed: 2 variant alleles, 2 heterozygotes.